The following is an entry in ClinVar:

NM_007254.4(PNKP):c.1395_1399dup (p.Thr467delinsArgTer)

Gene: PNKP (polynucleotide kinase 3'-phosphatase; minus strand). Cytogenetic location: 19q13.33.
Variant type: Duplication.
Coding change: c.1395_1399dup on transcript NM_007254.4 (MANE Select); coding-DNA positions 1395 to 1399, 5 bases duplicated (GATGA; older notation c.1395_1399dupGATGA).
Protein change: p.Thr467delinsArgTer.
Molecular consequence: nonsense.
Genome position (GRCh38, 1-based): chr19:49,861,498-49,861,502, TCATC duplicated on the plus strand (GATGA on the coding strand, the reverse complement: PNKP is on the minus strand); duplicating any 5 consecutive bases within chr19:49,861,498-49,861,504 gives the same sequence; the c. name uses the placement nearest the transcript's 3' end. VCF-style (leftmost placement, unchanged base first): chr19-49861497-G-GTCATC. GRCh37 (hg19) VCF-style: chr19-50364754-G-GTCATC.
Identifiers: ClinVar variation 493266 (VCV000493266.47), dbSNP rs1443873131, ClinGen allele CA633894416.

ClinVar aggregate classification (germline): Conflicting classifications of pathogenicity. Review status: criteria provided, conflicting classifications (1 of 4 stars). 2 submissions from 2 submitters: Pathogenic (1); Uncertain significance (1). Last evaluated 2023-01-19.

Conditions:
Developmental and epileptic encephalopathy, 12 (DEE12). Identifiers: MedGen C3150988, MONDO:0013389, OMIM 613722.

Submissions (2):

Labcorp Genetics (formerly Invitae), Labcorp
Classification: Pathogenic for Developmental and epileptic encephalopathy, 12. Last evaluated: 2023-01-19. Review status: criteria provided, single submitter. Criteria: Invitae Variant Classification Sherloc (09022015). Collection method: clinical testing. Allele origin: germline.
Comment: This sequence change creates a premature translational stop signal (p.Thr467Argfs*2) in the PNKP gene. While this is not anticipated to result in nonsense mediated decay, it is expected to disrupt the last 55 amino acid(s) of the PNKP protein. The frequency data for this variant in the population databases is considered unreliable, as metrics indicate poor data quality at this position in the gnomAD database. For these reasons, this variant has been classified as Pathogenic. This variant disrupts a region of the PNKP protein in which other variant(s) (p.Gln517*) have been determined to be pathogenic (PMID: 30039206). This suggests that this is a clinically significant region of the protein, and that variants that disrupt it are likely to be disease-causing. ClinVar contains an entry for this variant (Variation ID: 493266). This variant has not been reported in the literature in individuals affected with PNKP-related conditions.

CeGaT Center for Human Genetics Tuebingen
Classification: Uncertain significance. Last evaluated: 2017-09-01. Review status: criteria provided, single submitter. Criteria: CeGaT Center For Human Genetics Tuebingen Variant Classification Criteria Version 2. Collection method: clinical testing. Allele origin: germline. Affected: yes. Observed: 1 variant allele.

Literature cited by the submitters: PubMed 30039206 (cited by Labcorp Genetics (formerly Invitae), Labcorp).